The following is an entry in ClinVar:

NM_001037.5(SCN1B):c.639C>T (p.Gly213=)

Gene: SCN1B (sodium voltage-gated channel beta subunit 1; plus strand). Cytogenetic location: 19q13.11.
Variant type: single nucleotide variant.
Coding change: c.639C>T on transcript NM_001037.5 (MANE Select); coding-DNA position 639, C replaced by T.
Protein change: p.Gly213=; no amino-acid change (glycine 213 retained).
Molecular consequence: synonymous variant.
Genome position (GRCh38, 1-based): chr19:35,039,683, C>T. VCF-style: chr19-35039683-C-T. GRCh37 (hg19) VCF-style: chr19-35530587-C-T.
Other names: c.540C>T, p.Gly180= (NM_001321605.2).
Identifiers: ClinVar variation 3694617 (VCV003694617.2).

ClinVar aggregate classification (germline): Uncertain significance (1 of 4 stars; one submission).

Conditions:
Brugada syndrome 5 (BRGDA5). Identifiers: Orphanet 130, Orphanet 871, MedGen C2748541, MONDO:0013015, OMIM 612838.

Submission:

Labcorp Genetics (formerly Invitae), Labcorp
Classification: Uncertain significance for Brugada syndrome 5. Last evaluated: 2024-12-08. Review status: criteria provided, single submitter. Criteria: Invitae Variant Classification Sherloc (09022015). Collection method: clinical testing. Allele origin: germline.
Comment: The SCN1B gene has multiple clinically relevant transcripts. This variant occurs in alternate transcript NM_001037.5, and corresponds to NM_199037.3:c.*5585C>T in the primary transcript. This sequence change affects codon 213 of the SCN1B mRNA. It is a 'silent' change, meaning that it does not change the encoded amino acid sequence of the SCN1B protein. This variant is not present in population databases (gnomAD no frequency). This variant has not been reported in the literature in individuals affected with SCN1B-related conditions. In summary, the available evidence is currently insufficient to determine the role of this variant in disease. Therefore, it has been classified as a Variant of Uncertain Significance.